The following is an entry in ClinVar:

NM_138694.4(PKHD1):c.5123C>A (p.Ser1708Tyr)

Genes: PKHD1 (PKHD1 ciliary IPT domain containing fibrocystin/polyductin; minus strand), LOC126859690 (MED14-independent group 3 enhancer GRCh37_chr6:51888848-51890047; plus strand). Cytogenetic location: 6p12.2.
Variant type: single nucleotide variant.
Coding change: c.5123C>A on transcript NM_138694.4 (MANE Select); coding-DNA position 5123, C replaced by A.
Protein change: p.Ser1708Tyr; replaces serine 1708 with tyrosine.
Molecular consequence: missense variant.
Genome position (GRCh38, 1-based): chr6:52,024,687, G>T on the plus strand (C>A on the coding strand, the complement: PKHD1 is on the minus strand). VCF-style: chr6-52024687-G-T. GRCh37 (hg19) VCF-style: chr6-51889485-G-T.
Other names: c.5123C>A, p.Ser1708Tyr (NM_170724.3); short protein forms S1708Y.
Identifiers: ClinVar variation 597173 (VCV000597173.13), dbSNP rs759619749, ClinGen allele CA3852610.
Genomic context (GRCh38, chr6:52,024,687, plus strand): 5'-GATGAGGCCCACCCTCTGATGCAGTCATAGCCTCTGACGTGGTACTCCCCGGCCGGAAGG[G>T]AAGGGACCACGCACTGAAGAACGGTGTGGTTACCAGAGACACCCACACAGGGTGACATTC-3'
Protein context (NP_619639.3, residues 1698-1718): NHTVLQCVVP[Ser1708Tyr]LPAGEYHVRG

ClinVar aggregate classification (germline): Uncertain significance. Review status: criteria provided, multiple submitters, no conflicts (2 of 4 stars). 2 submissions from 2 submitters: Uncertain significance (2). Last evaluated 2025-03-31.

Conditions:
Autosomal recessive polycystic kidney disease (ARPKD). Also called: AR polycystic kidney disease. Identifiers: Orphanet 731, Orphanet 8378, MedGen C0085548, MeSH D017044, MONDO:0009889.

Allele frequency attached by ClinVar (database versions not stated): gnomAD 0.00001; gnomAD exomes 0.00001; ExAC 0.00002; TOPMed 0.00003.
gnomAD v4.1: 5 of 1,614,098 alleles (0.00031%); highest among the groups gnomAD compares: Non-Finnish European, 0.00042%; no homozygotes.

Submissions (2):

Labcorp Genetics (formerly Invitae), Labcorp
Classification: Uncertain significance for Autosomal recessive polycystic kidney disease. Last evaluated: 2025-03-31. Review status: criteria provided, single submitter. Criteria: Invitae Variant Classification Sherloc (09022015). Collection method: clinical testing. Allele origin: germline.
Comment: This sequence change replaces serine, which is neutral and polar, with tyrosine, which is neutral and polar, at codon 1708 of the PKHD1 protein (p.Ser1708Tyr). This variant is present in population databases (rs759619749, gnomAD 0.002%). This variant has not been reported in the literature in individuals affected with PKHD1-related conditions. ClinVar contains an entry for this variant (Variation ID: 597173). Invitae Evidence Modeling of protein sequence and biophysical properties (such as structural, functional, and spatial information, amino acid conservation, physicochemical variation, residue mobility, and thermodynamic stability) indicates that this missense variant is not expected to disrupt PKHD1 protein function with a negative predictive value of 95%. In summary, the available evidence is currently insufficient to determine the role of this variant in disease. Therefore, it has been classified as a Variant of Uncertain Significance.

Eurofins Ntd Llc (ga)
Classification: Uncertain significance. Last evaluated: 2018-05-08. Review status: criteria provided, single submitter. Criteria: EGL ClinVar v180209 classification definitions. Collection method: clinical testing. Allele origin: germline. Observed: 1 variant allele, 1 heterozygote.